The following is an entry in ClinVar:

ClinVar aggregate classification (germline): Uncertain significance (1 of 4 stars; one submission).

Conditions:
Cystic fibrosis (CF). Also called: MUCOVISCIDOSIS. Identifiers: Orphanet 586, MedGen C0010674, MONDO:0009061, OMIM 219700. Disease mechanism: loss of function.

Submission:

Ambry Genetics
Classification: Uncertain significance for Cystic fibrosis. Last evaluated: 2024-02-03. Review status: criteria provided, single submitter. Criteria: Ambry Variant Classification Scheme 2023. Collection method: clinical testing. Allele origin: germline.
Comment: The p.V181I variant (also known as c.541G>A), located in coding exon 5 of the CFTR gene, results from a G to A substitution at nucleotide position 541. The valine at codon 181 is replaced by isoleucine, an amino acid with highly similar properties. This amino acid position is conserved. In addition, this alteration is predicted to be tolerated by in silico analysis. Based on the available evidence, the clinical significance of this alteration remains unclear.

NM_000492.4(CFTR):c.541G>A (p.Val181Ile)

Gene: CFTR (CF transmembrane conductance regulator; plus strand). Cytogenetic location: 7q31.2.
Variant type: single nucleotide variant.
Coding change: c.541G>A on transcript NM_000492.4 (MANE Select); coding-DNA position 541, G replaced by A.
Protein change: p.Val181Ile; replaces valine 181 with isoleucine.
Molecular consequence: missense variant.
Genome position (GRCh38, 1-based): chr7:117,534,327, G>A. VCF-style: chr7-117534327-G-A. GRCh37 (hg19) VCF-style: chr7-117174381-G-A.
Other names: short protein forms V181I.
Identifiers: ClinVar variation 3231926 (VCV003231926.1), dbSNP rs1798912652, ClinGen allele CA368976484.
Genomic context (GRCh38, chr7:117,534,327, plus strand): 5'-TTCTTTTAGACTTTAAAGCTGTCAAGCCGTGTTCTAGATAAAATAAGTATTGGACAACTT[G>A]TTAGTCTCCTTTCCAACAACCTGAACAAATTTGATGAAGTATGTACCTATTGATTTAATC-3'
Protein context (NP_000483.3, residues 171-191): VLDKISIGQL[Val181Ile]SLLSNNLNKF